The following is an entry in ClinVar:

ClinVar aggregate classification (germline): Uncertain significance. Review status: criteria provided, multiple submitters, no conflicts (2 of 4 stars). 3 submissions from 3 submitters: Uncertain significance (3). Last evaluated 2024-08-26.

Conditions:
Global developmental delay - lung cysts - overgrowth - Wilms tumor syndrome. Also called: GLOBAL DEVELOPMENTAL DELAY, LUNG CYSTS, OVERGROWTH, AND WILMS TUMOR; GLOW Syndrome. Identifiers: Orphanet 404476, MedGen C4748924, MONDO:0018445, OMIM 618272.
DICER1-related tumor predisposition. Also called: DICER1-related pleuropulmonary blastoma cancer predisposition syndrome; DICER1 syndrome. Identifiers: Orphanet 284343, MedGen C3839822, MONDO:0100216.
Hereditary cancer-predisposing syndrome. Also called: Neoplastic Syndromes, Hereditary; Hereditary Cancer Syndrome; Hereditary neoplastic syndrome; Tumor predisposition. Identifiers: Orphanet 140162, MedGen C0027672, MeSH D009386, MONDO:0015356.

Submissions (3):

Ambry Genetics
Classification: Uncertain significance for Hereditary cancer-predisposing syndrome. Last evaluated: 2024-08-26. Review status: criteria provided, single submitter. Criteria: Ambry Variant Classification Scheme 2023. Collection method: clinical testing. Allele origin: germline.
Comment: The p.P1605L variant (also known as c.4814C>T), located in coding exon 22 of the DICER1 gene, results from a C to T substitution at nucleotide position 4814. The proline at codon 1605 is replaced by leucine, an amino acid with similar properties. This amino acid position is not well conserved in available vertebrate species. In addition, the in silico prediction for this alteration is inconclusive. Based on the available evidence, the clinical significance of this variant remains unclear.

Baylor Genetics
Classification: Uncertain significance for Global developmental delay - lung cysts - overgrowth - Wilms tumor syndrome. Last evaluated: 2024-03-21. Review status: criteria provided, single submitter. Criteria: ACMG Guidelines, 2015. Collection method: clinical testing. Allele origin: unknown.

Labcorp Genetics (formerly Invitae), Labcorp
Classification: Uncertain significance for DICER1-related tumor predisposition. Last evaluated: 2023-10-16. Review status: criteria provided, single submitter. Criteria: Invitae Variant Classification Sherloc (09022015). Collection method: clinical testing. Allele origin: germline.
Comment: This sequence change replaces proline, which is neutral and non-polar, with leucine, which is neutral and non-polar, at codon 1605 of the DICER1 protein (p.Pro1605Leu). This variant is not present in population databases (gnomAD no frequency). This variant has not been reported in the literature in individuals affected with DICER1-related conditions. ClinVar contains an entry for this variant (Variation ID: 825200). An algorithm developed to predict the effect of missense changes on protein structure and function (PolyPhen-2) suggests that this variant is likely to be tolerated. In summary, the available evidence is currently insufficient to determine the role of this variant in disease. Therefore, it has been classified as a Variant of Uncertain Significance.

NM_177438.3(DICER1):c.4814C>T (p.Pro1605Leu)

Gene: DICER1 (dicer 1, ribonuclease III; minus strand). Cytogenetic location: 14q32.13.
Variant type: single nucleotide variant.
Coding change: c.4814C>T on transcript NM_177438.3 (MANE Select); coding-DNA position 4814, C replaced by T.
Protein change: p.Pro1605Leu; replaces proline 1605 with leucine.
Molecular consequence: missense variant.
Genome position (GRCh38, 1-based): chr14:95,096,106, G>A on the plus strand (C>T on the coding strand, the complement: DICER1 is on the minus strand). VCF-style: chr14-95096106-G-A. GRCh37 (hg19) VCF-style: chr14-95562443-G-A.
Other names: c.4814C>T, p.Pro1605Leu (NM_001195573.1, NM_001271282.3, NM_001291628.2 and 1 more transcripts); short protein forms P1605L.
Identifiers: ClinVar variation 825200 (VCV000825200.11), dbSNP rs939314926, ClinGen allele CA390867003.